The following is an entry in ClinVar:

NM_024529.5(CDC73):c.73G>A (p.Val25Met)

Gene: CDC73 (cell division cycle 73; plus strand). Cytogenetic location: 1q31.2.
Variant type: single nucleotide variant.
Coding change: c.73G>A on transcript NM_024529.5 (MANE Select); coding-DNA position 73, G replaced by A.
Protein change: p.Val25Met; replaces valine 25 with methionine.
Molecular consequence: missense variant.
Genome position (GRCh38, 1-based): chr1:193,122,273, G>A. VCF-style: chr1-193122273-G-A. GRCh37 (hg19) VCF-style: chr1-193091403-G-A.
Other names: short protein forms V25M.
Identifiers: ClinVar variation 2450568 (VCV002450568.2), dbSNP rs2527281292, ClinGen allele CA343972883.

ClinVar aggregate classification (germline): Uncertain significance (1 of 4 stars; one submission).

Conditions:
Hereditary cancer-predisposing syndrome. Also called: Neoplastic Syndromes, Hereditary; Tumor predisposition; Hereditary neoplastic syndrome; Hereditary Cancer Syndrome. Identifiers: Orphanet 140162, MedGen C0027672, MeSH D009386, MONDO:0015356.

Submission:

Ambry Genetics
Classification: Uncertain significance for Hereditary cancer-predisposing syndrome. Last evaluated: 2022-11-05. Review status: criteria provided, single submitter. Criteria: Ambry Variant Classification Scheme 2023. Collection method: clinical testing. Allele origin: germline.
Comment: The p.V25M variant (also known as c.73G>A), located in coding exon 1 of the CDC73 gene, results from a G to A substitution at nucleotide position 73. The valine at codon 25 is replaced by methionine, an amino acid with highly similar properties. This amino acid position is conserved. In addition, the in silico prediction for this alteration is inconclusive. Since supporting evidence is limited at this time, the clinical significance of this alteration remains unclear.